The following is an entry in ClinVar:

ClinVar aggregate classification (germline): Uncertain significance (1 of 4 stars; one submission).

Conditions:
Joubert syndrome. Also called: CEREBELLOPARENCHYMAL DISORDER IV; JOUBERT-BOLTSHAUSER SYNDROME; Familial aplasia of the vermis. Identifiers: Orphanet 475, MedGen C5979921, MONDO:0018772.

Submission:

Labcorp Genetics (formerly Invitae), Labcorp
Classification: Uncertain significance for Joubert syndrome. Last evaluated: 2023-10-22. Review status: criteria provided, single submitter. Criteria: Invitae Variant Classification Sherloc (09022015). Collection method: clinical testing. Allele origin: germline.
Comment: This sequence change falls in intron 1 of the TMEM216 gene. It does not directly change the encoded amino acid sequence of the TMEM216 protein. Information on the frequency of this variant in the gnomAD database is not available, as this variant may be reported differently in the database. This variant has not been reported in the literature in individuals affected with TMEM216-related conditions. Experimental studies and prediction algorithms are not available or were not evaluated, and the effect of this variant on mRNA splicing is currently unknown. In summary, the available evidence is currently insufficient to determine the role of this variant in disease. Therefore, it has been classified as a Variant of Uncertain Significance.

NM_001173990.3(TMEM216):c.35-11_35-10delinsAA

Gene: TMEM216 (transmembrane protein 216; plus strand). Cytogenetic location: 11q12.2.
Variant type: Indel.
Coding change: c.35-11_35-10delinsAA on transcript NM_001173990.3 (MANE Select); 11 bases into the intron before coding-DNA position 35 through 10 bases into the intron before coding-DNA position 35, TC replaced by AA.
Molecular consequence: intron variant.
Genome position (GRCh38, 1-based): chr11:61,393,220-61,393,221, TC replaced by AA. VCF-style: chr11-61393220-TC-AA. GRCh37 (hg19) VCF-style: chr11-61160692-TC-AA.
Other names: c.35-11_35-10delinsAA (NM_001173991.3); c.-149-11_-149-10delinsAA (NM_016499.6, NM_001330285.2).
Identifiers: ClinVar variation 2767834 (VCV002767834.3), dbSNP rs2539891520, ClinGen allele CA2697548684.